The following is an entry in ClinVar:

ClinVar aggregate classification (germline): Uncertain significance (1 of 4 stars; one submission).

Submission:

GeneDx
Classification: Uncertain significance. Last evaluated: 2025-07-23. Review status: criteria provided, single submitter. Criteria: GeneDx Variant Classification Process June 2021. Collection method: clinical testing. Allele origin: germline. Affected: yes.
Comment: Not observed at significant frequency in large population cohorts (gnomAD); In silico analysis supports that this missense variant has a deleterious effect on protein structure/function; Has not been previously published as pathogenic or benign to our knowledge

NM_005909.5(MAP1B):c.6257C>A (p.Ser2086Tyr)

Gene: MAP1B (microtubule associated protein 1B; plus strand). Cytogenetic location: 5q13.2.
Variant type: single nucleotide variant.
Coding change: c.6257C>A on transcript NM_005909.5 (MANE Select); coding-DNA position 6257, C replaced by A.
Protein change: p.Ser2086Tyr; replaces serine 2086 with tyrosine.
Molecular consequence: missense variant.
Genome position (GRCh38, 1-based): chr5:72,199,612, C>A. VCF-style: chr5-72199612-C-A. GRCh37 (hg19) VCF-style: chr5-71495439-C-A.
Other names: c.5879C>A, p.Ser1960Tyr (NM_001324255.2); short protein forms S1960Y, S2086Y.
Identifiers: ClinVar variation 4687013 (VCV004687013.1).